The following continues an entry in ClinVar:

NM_007294.4(BRCA1):c.3119G>A (p.Ser1040Asn)

Gene: BRCA1. ClinVar aggregate classification (germline): Benign. Benign (1).

Submissions 20 to 44 of 44:

Clinical Genetics DNA and cytogenetics Diagnostics Lab, Erasmus MC, Erasmus Medical Center
Classification: Benign for Breast-ovarian cancer, familial, susceptibility to, 1. Last evaluated: 2015-09-21. Review status: criteria provided, single submitter. Criteria: ACGS Guidelines, 2013. Collection method: clinical testing. Allele origin: germline. Affected: yes. Study: VKGL Data-share Consensus. Not counted in ClinVar's aggregate classification.

Eurofins Ntd Llc (ga)
Classification: Benign. Last evaluated: 2015-07-29. Review status: criteria provided, single submitter. Criteria: EGL Classification Definitions 2015. Collection method: clinical testing. Allele origin: germline. Observed: 25 variant alleles, 25 heterozygotes. Not counted in ClinVar's aggregate classification.

Genomic Diagnostic Laboratory, Division of Genomic Diagnostics, Children's Hospital of Philadelphia
Classification: Likely benign for Hereditary Breast and Ovarian Cancer. Last evaluated: 2015-04-14. Review status: criteria provided, single submitter. Criteria: DGD Variant Analysis Guidelines. Collection method: clinical testing. Allele origin: unknown. Not counted in ClinVar's aggregate classification.

Ambry Genetics
Classification: Benign for Hereditary cancer-predisposing syndrome. Last evaluated: 2014-11-18. Review status: criteria provided, single submitter. Criteria: Ambry Variant Classification Scheme 2023. Collection method: clinical testing. Allele origin: germline. Not counted in ClinVar's aggregate classification.

Color Diagnostics, LLC DBA Color Health
Classification: Benign for Hereditary cancer-predisposing syndrome. Last evaluated: 2014-11-05. Review status: criteria provided, single submitter. Criteria: ACMG Guidelines, 2015. Collection method: clinical testing. Allele origin: germline. Not counted in ClinVar's aggregate classification.

Molecular Genetics Laboratory, University of Michigan
Classification: Benign for Breast-ovarian cancer, familial, susceptibility to, 1. Last evaluated: 2014-11-03. Review status: criteria provided, single submitter. Criteria: ACMG Guidelines, 2015. Collection method: clinical testing. Allele origin: germline. Affected: yes. Not counted in ClinVar's aggregate classification.

Genome Diagnostics Laboratory, University Medical Center Utrecht
Classification: Benign for Breast-ovarian cancer, familial, susceptibility to, 1. Last evaluated: 2014-10-09. Review status: criteria provided, single submitter. Criteria: ACGS Guidelines, 2013. Collection method: clinical testing. Allele origin: germline. Affected: yes. Study: VKGL Data-share Consensus. Not counted in ClinVar's aggregate classification.

Women's Health and Genetics/Laboratory Corporation of America, LabCorp
Classification: Benign for Hereditary breast ovarian cancer syndrome. Last evaluated: 2014-01-08. Review status: criteria provided, single submitter. Criteria: LabCorp Variant Classification Summary - May 2015. Collection method: clinical testing. Allele origin: germline. Not counted in ClinVar's aggregate classification.

GeneDx
Classification: Benign. Last evaluated: 2013-10-14. Review status: criteria provided, single submitter. Criteria: GeneDx Variant Classification (06012015). Collection method: clinical testing. Allele origin: germline. Affected: yes. Not counted in ClinVar's aggregate classification.
Comment: This variant is considered likely benign or benign based on one or more of the following criteria: it is a conservative change, it occurs at a poorly conserved position in the protein, it is predicted to be benign by multiple in silico algorithms, and/or has population frequency not consistent with disease.

Breakthrough Genomics
Classification: Benign. Review status: criteria provided, single submitter. Criteria: ACMG Guidelines, 2015. Collection method: not provided. Allele origin: germline. Inheritance: Autosomal recessive inheritance. Affected: yes. Not counted in ClinVar's aggregate classification.

PreventionGenetics, part of Exact Sciences
Classification: Benign. Review status: criteria provided, single submitter. Criteria: ACMG Guidelines, 2015. Collection method: clinical testing. Allele origin: germline. Not counted in ClinVar's aggregate classification.

True Health Diagnostics
Classification: Benign for Hereditary cancer-predisposing syndrome. Last evaluated: 2017-11-14. Review status: no assertion criteria provided. Collection method: clinical testing. Allele origin: germline. Not counted in ClinVar's aggregate classification.

Mayo Clinic Laboratories, Mayo Clinic
Classification: Likely benign. Last evaluated: 2017-01-19. Review status: no assertion criteria provided. Collection method: clinical testing. Allele origin: unknown. Not counted in ClinVar's aggregate classification.

Pathway Genomics
Classification: Likely benign for hereditary breast and ovarian cancer, BROVCA1. Last evaluated: 2014-07-24. Review status: no assertion criteria provided. Collection method: literature only. Allele origin: germline. Not counted in ClinVar's aggregate classification.

Counsyl
Classification: Benign for Breast-ovarian cancer, familial 1. Last evaluated: 2014-01-20. Review status: no assertion criteria provided. Collection method: literature only. Allele origin: unknown. Inheritance: Autosomal dominant inheritance. Not counted in ClinVar's aggregate classification.

ITMI
No classification provided. Condition: AllHighlyPenetrant. Last evaluated: 2013-09-19. Review status: no classification provided. Collection method: reference population. Allele origin: germline. Not counted in ClinVar's aggregate classification.
Comment: Please see associated publication for description of ethnicities

OMIM
Classification: Uncertain significance for RECLASSIFIED - VARIANT OF UNKNOWN SIGNIFICANCE. Last evaluated: 2012-11-01. Review status: no assertion criteria provided. Collection method: literature only. Allele origin: germline. Not counted in ClinVar's aggregate classification.

Biesecker Lab/Clinical Genomics Section, National Institutes of Health
Classification: Benign. Last evaluated: 2012-07-13. Review status: no assertion criteria provided. Collection method: research. Allele origin: germline. Affected: no. Observed: 36 variant alleles. Study: ClinSeq. Not counted in ClinVar's aggregate classification.
ClinVar note: Converted during submission from no known pathogenicity to Benign.

Sharing Clinical Reports Project (SCRP)
Classification: Benign for Breast-ovarian cancer, familial 1. Last evaluated: 2011-03-14. Review status: no assertion criteria provided. Collection method: clinical testing. Allele origin: germline. Not counted in ClinVar's aggregate classification.

Breast Cancer Information Core (BIC) (BRCA1)
Classification: Uncertain significance for Breast-ovarian cancer, familial 1. Last evaluated: 2002-05-29. Review status: no assertion criteria provided. Collection method: clinical testing. Allele origin: germline, unknown. Affected: yes. Observed: 70 variant alleles. Not counted in ClinVar's aggregate classification.

Clinical Genetics Laboratory, Department of Pathology, Netherlands Cancer Institute
Classification: Benign. Review status: no assertion criteria provided. Collection method: clinical testing. Allele origin: germline. Affected: yes. Study: VKGL Data-share Consensus. Not counted in ClinVar's aggregate classification.

Department of Pathology and Laboratory Medicine, Sinai Health System
Classification: Benign. Review status: no assertion criteria provided. Collection method: clinical testing. Allele origin: unknown. Affected: yes. Study: The Canadian Open Genetics Repository (COGR). Not counted in ClinVar's aggregate classification.

Diagnostic Laboratory, Department of Genetics, University Medical Center Groningen
Classification: Benign for Breast-ovarian cancer, familial, susceptibility to, 1. Review status: no assertion criteria provided. Collection method: clinical testing. Allele origin: germline. Affected: yes. Study: VKGL Data-share Consensus. Not counted in ClinVar's aggregate classification.

Joint Genome Diagnostic Labs from Nijmegen and Maastricht, Radboudumc and MUMC+
Classification: Benign. Review status: no assertion criteria provided. Collection method: clinical testing. Allele origin: germline. Affected: yes. Study: VKGL Data-share Consensus. Not counted in ClinVar's aggregate classification.

Laboratory of Diagnostic Genome Analysis, Leiden University Medical Center (LUMC)
Classification: Benign. Review status: no assertion criteria provided. Collection method: clinical testing. Allele origin: germline. Affected: yes. Study: VKGL Data-share Consensus. Not counted in ClinVar's aggregate classification.

Literature cited by the submitters: PubMed 21990134 (cited by Evidence-based Network for the Interpretation of Germline Mutant Alleles (ENIGMA) and Women's Health and Genetics/Laboratory Corporation of America, LabCorp); DOI 10.3389/fgene.2022.834265 (cited by National Health Laboratory Service, Universitas Academic Hospital and University of the Free State); PubMed 36329109 (cited by Genetics Program, Instituto Nacional de Cancer); PubMed 22753008 (cited by Quest Diagnostics Nichols Institute San Juan Capistrano and OMIM); PubMed 24728327 (cited by 3 submitters); PubMed 7894491 (cited by Quest Diagnostics Nichols Institute San Juan Capistrano and Counsyl); PubMed 22995991 (cited by Women's Health and Genetics/Laboratory Corporation of America, LabCorp); PubMed 16014699 (cited by Women's Health and Genetics/Laboratory Corporation of America, LabCorp); PubMed 20104584 (cited by Women's Health and Genetics/Laboratory Corporation of America, LabCorp); PubMed 15235020 (cited by Women's Health and Genetics/Laboratory Corporation of America, LabCorp); PubMed 21520273 (cited by Women's Health and Genetics/Laboratory Corporation of America, LabCorp); PubMed 21702907 (cited by Women's Health and Genetics/Laboratory Corporation of America, LabCorp); PubMed 23469205 (cited by Women's Health and Genetics/Laboratory Corporation of America, LabCorp); PubMed 23249957 (cited by Women's Health and Genetics/Laboratory Corporation of America, LabCorp); PubMed 23192404 (cited by Women's Health and Genetics/Laboratory Corporation of America, LabCorp); PubMed 12457999 (cited by Women's Health and Genetics/Laboratory Corporation of America, LabCorp); PubMed 22996961 (cited by Women's Health and Genetics/Laboratory Corporation of America, LabCorp); PubMed 8776600 (cited by Women's Health and Genetics/Laboratory Corporation of America, LabCorp and Counsyl); PubMed 7894493 (cited by 3 submitters); PubMed 23961350 (cited by Women's Health and Genetics/Laboratory Corporation of America, LabCorp); PubMed 15726418 (cited by Counsyl); PubMed 1245799 (cited by Counsyl).